The following is an entry in ClinVar:

ClinVar aggregate classification (germline): Uncertain significance. Review status: criteria provided, multiple submitters, no conflicts (2 of 4 stars). 3 submissions from 3 submitters: Uncertain significance (3). Last evaluated 2025-03-06.

Allele frequency attached by ClinVar (database versions not stated): gnomAD exomes 0.00001.
gnomAD v4.1: 8 of 1,613,018 alleles (0.0005%); highest among the groups gnomAD compares: Non-Finnish European, 0.00059%; no homozygotes.

Submissions (3):

Labcorp Genetics (formerly Invitae), Labcorp
Classification: Uncertain significance. Last evaluated: 2025-03-06. Review status: criteria provided, single submitter. Criteria: Invitae Variant Classification Sherloc (09022015). Collection method: clinical testing. Allele origin: germline.
Comment: This sequence change replaces serine, which is neutral and polar, with cysteine, which is neutral and slightly polar, at codon 924 of the ARID1B protein (p.Ser924Cys). This variant is not present in population databases (gnomAD no frequency). This variant has not been reported in the literature in individuals affected with ARID1B-related conditions. ClinVar contains an entry for this variant (Variation ID: 871027). Invitae Evidence Modeling of protein sequence and biophysical properties (such as structural, functional, and spatial information, amino acid conservation, physicochemical variation, residue mobility, and thermodynamic stability) indicates that this missense variant is not expected to disrupt ARID1B protein function with a negative predictive value of 95%. In summary, the available evidence is currently insufficient to determine the role of this variant in disease. Therefore, it has been classified as a Variant of Uncertain Significance.

Blueprint Genetics
Classification: Uncertain significance. Last evaluated: 2023-02-03. Review status: criteria provided, single submitter. Criteria: ACMG Guidelines, 2015. Collection method: clinical testing. Allele origin: germline.

CeGaT Center for Human Genetics Tuebingen
Classification: Uncertain significance. Last evaluated: 2019-09-01. Review status: criteria provided, single submitter. Criteria: CeGaT Center For Human Genetics Tuebingen Variant Classification Criteria Version 2. Collection method: clinical testing. Allele origin: germline. Affected: yes. Observed: 1 variant allele.

NM_001374828.1(ARID1B):c.2981C>G (p.Ser994Cys)

Gene: ARID1B (AT-rich interaction domain 1B; plus strand). Cytogenetic location: 6q25.3.
Variant type: single nucleotide variant.
Coding change: c.2981C>G on transcript NM_001374828.1 (MANE Select); coding-DNA position 2981, C replaced by G.
Protein change: p.Ser994Cys; replaces serine 994 with cysteine.
Molecular consequence: missense variant.
Genome position (GRCh38, 1-based): chr6:157,148,843, C>G. VCF-style: chr6-157148843-C-G. GRCh37 (hg19) VCF-style: chr6-157469977-C-G.
Other names: c.482C>G, p.Ser161Cys (NM_001363725.2); c.3020C>G, p.Ser1007Cys (NM_001371656.1, NM_001374820.1); c.2981C>G, p.Ser994Cys (NM_017519.3); short protein forms S161C, S1007C, S994C.
Identifiers: ClinVar variation 871027 (VCV000871027.46), dbSNP rs1789987223, ClinGen allele CA366389080.
Genomic context (GRCh38, chr6:157,148,843, plus strand): 5'-TGCAGAACAGACCATTTCCTGGAAATATGAGCAGCATGACCCCCAGTTCTCCTGGCATGT[C>G]TCAGCAGGGAGGGCCAGGAATGGGGCCGCCAATGCCAACTGTGAACCGTAAGGCACAGGA-3'
Protein context (NP_001361757.1, residues 984-1004): SSMTPSSPGM[Ser994Cys]QQGGPGMGPP